The following is an entry in ClinVar:

NM_001382548.1(TCERG1):c.633C>T (p.Ala211=)

Gene: TCERG1 (transcription elongation regulator 1; plus strand). Cytogenetic location: 5q32.
Variant type: single nucleotide variant.
Coding change: c.633C>T on transcript NM_001382548.1 (MANE Select); coding-DNA position 633, C replaced by T.
Protein change: p.Ala211=; no amino-acid change (alanine 211 retained).
Molecular consequence: synonymous variant. On other transcripts: non-coding transcript variant (52), intron variant (3).
Genome position (GRCh38, 1-based): chr5:146,459,078, C>T. VCF-style: chr5-146459078-C-T. GRCh37 (hg19) VCF-style: chr5-145838641-C-T.
Other names: c.594+39C>T (NM_001400098.1); c.577-22C>T (NM_001400083.1); c.558+75C>T (NM_001400096.1); c.633C>T, p.Ala211= (NM_001400095.1, NM_001400097.1, NM_001400099.1 and 7 more transcripts); c.576C>T, p.Ala192= (NM_001400082.1); c.573C>T, p.Ala191= (NM_001400092.1).
Identifiers: ClinVar variation 3898100 (VCV003898100.7).
Genomic context (GRCh38, chr5:146,459,078, plus strand): 5'-TCAGGCCCAGGCGCAGGCTCAGGCCCAGGCACAAGCTCAGGCCCAGGCTCAGGCTCAGGC[C>T]CAGGCCCAGGCCCAGGCCCAGGCCCAGGCCCAAGCCCAAGCCCAGGCCCAGGCTCAGGCT-3'
Protein context (NP_001369477.1, residues 201-221): AQAQAQAQAQ[Ala211=]QAQAQAQAQA

ClinVar aggregate classification (germline): Likely benign (1 of 4 stars; one submission).

gnomAD v4.1: 18 of 1,437,548 alleles (0.0013%); highest among the groups gnomAD compares: Admixed American, 0.027%; no homozygotes.

Submission:

CeGaT Center for Human Genetics Tuebingen
Classification: Likely benign. Last evaluated: 2025-10-01. Review status: criteria provided, single submitter. Criteria: CeGaT Center For Human Genetics Tuebingen Variant Classification Criteria Version 2. Collection method: clinical testing. Allele origin: germline. Affected: yes. Observed: 3 variant alleles.
Comment: TCERG1: BP4, BP7